The following is an entry in ClinVar:

ClinVar aggregate classification (germline): Uncertain significance. Review status: criteria provided, multiple submitters, no conflicts (2 of 4 stars). 3 submissions from 3 submitters: Uncertain significance (3). Last evaluated 2025-04-30.

Conditions:
Inborn genetic diseases. Identifiers: MedGen C0950123, MeSH D030342.
Charcot-Marie-Tooth disease axonal type 2P. Also called: CHARCOT-MARIE-TOOTH NEUROPATHY, TYPE 2P; Charcot-Marie-Tooth Neuropathy Type 2G; CHARCOT-MARIE-TOOTH DISEASE, AXONAL, TYPE 2G; CMT 2G. Identifiers: Orphanet 300319, Orphanet 99941, MedGen C3280797, MONDO:0013753, OMIM 614436.

Allele frequency attached by ClinVar (database versions not stated): ExAC 0.00002; gnomAD 0.00002; gnomAD exomes 0.00003 and 0.00009; TOPMed 0.00003.
gnomAD v4.1: 135 of 1,613,464 alleles (0.0084%); highest among the groups gnomAD compares: Non-Finnish European, 0.01%; no homozygotes.

Submissions (3):

Labcorp Genetics (formerly Invitae), Labcorp
Classification: Uncertain significance for Charcot-Marie-Tooth disease axonal type 2P. Last evaluated: 2025-04-30. Review status: criteria provided, single submitter. Criteria: Invitae Variant Classification Sherloc (09022015). Collection method: clinical testing. Allele origin: germline.
Comment: This sequence change replaces valine, which is neutral and non-polar, with alanine, which is neutral and non-polar, at codon 670 of the LRSAM1 protein (p.Val670Ala). This variant is present in population databases (rs748185533, gnomAD 0.006%). This variant has not been reported in the literature in individuals affected with LRSAM1-related conditions. ClinVar contains an entry for this variant (Variation ID: 834369). Invitae Evidence Modeling of protein sequence and biophysical properties (such as structural, functional, and spatial information, amino acid conservation, physicochemical variation, residue mobility, and thermodynamic stability) indicates that this missense variant is not expected to disrupt LRSAM1 protein function with a negative predictive value of 80%. In summary, the available evidence is currently insufficient to determine the role of this variant in disease. Therefore, it has been classified as a Variant of Uncertain Significance.

Ambry Genetics
Classification: Uncertain significance for Inborn genetic diseases. Last evaluated: 2022-06-14. Review status: criteria provided, single submitter. Criteria: Ambry Variant Classification Scheme 2023. Collection method: clinical testing. Allele origin: germline.

CeGaT Center for Human Genetics Tuebingen
Classification: Uncertain significance. Last evaluated: 2021-09-01. Review status: criteria provided, single submitter. Criteria: CeGaT Center For Human Genetics Tuebingen Variant Classification Criteria Version 2. Collection method: clinical testing. Allele origin: germline. Affected: yes. Observed: 1 variant allele.

NM_001005373.4(LRSAM1):c.2009T>C (p.Val670Ala)

Gene: LRSAM1 (leucine rich repeat and sterile alpha motif containing 1; plus strand). Cytogenetic location: 9q34.11.
Variant type: single nucleotide variant.
Coding change: c.2009T>C on transcript NM_001005373.4 (MANE Select); coding-DNA position 2009, T replaced by C.
Protein change: p.Val670Ala; replaces valine 670 with alanine.
Molecular consequence: missense variant. On other transcripts: non-coding transcript variant (2).
Genome position (GRCh38, 1-based): chr9:127,501,106, T>C. VCF-style: chr9-127501106-T-C. GRCh37 (hg19) VCF-style: chr9-130263385-T-C.
Other names: c.2009T>C (NM_138361.4); c.2009T>C, p.Val670Ala (NM_001005374.4, NM_001384142.1, NM_138361.5); c.1928T>C, p.Val643Ala (NM_001190723.3); c.1910T>C, p.Val637Ala (NM_001384143.1); c.1220T>C, p.Val407Ala (NM_001384144.1); short protein forms V670A, V643A, V407A, V637A.
Identifiers: ClinVar variation 834369 (VCV000834369.45), dbSNP rs748185533, ClinGen allele CA5247224.